The following is an entry in ClinVar:

NM_001377.3(DYNC2H1):c.6676C>T (p.Pro2226Ser)

Gene: DYNC2H1 (dynein cytoplasmic 2 heavy chain 1; plus strand). Cytogenetic location: 11q22.3.
Variant type: single nucleotide variant.
Coding change: c.6676C>T on transcript NM_001377.3 (MANE Select); coding-DNA position 6676, C replaced by T.
Protein change: p.Pro2226Ser; replaces proline 2226 with serine.
Molecular consequence: missense variant.
Genome position (GRCh38, 1-based): chr11:103,186,284, C>T. VCF-style: chr11-103186284-C-T. GRCh37 (hg19) VCF-style: chr11-103057013-C-T.
Other names: c.6676C>T, p.Pro2226Ser (NM_001080463.2); short protein forms P2226S.
Identifiers: ClinVar variation 1445167 (VCV001445167.8), dbSNP rs912686507, ClinGen allele CA227404915.

ClinVar aggregate classification (germline): Uncertain significance (1 of 4 stars; one submission).

Conditions:
Jeune thoracic dystrophy. Also called: Jeune syndrome; Infantile thoracic dystrophy; Thoracic pelvic phalangeal dystrophy; Jeune's syndrome; Chondroectodermal dysplasia-like syndrome; Short-rib thoracic dysplasia. Identifiers: Orphanet 474, MedGen C0265275, MONDO:0018770.

Allele frequency attached by ClinVar (database versions not stated): gnomAD 0.00001; TOPMed 0.00001.
gnomAD v4.1: 2 of 1,612,078 alleles (0.00012%); highest among the groups gnomAD compares: Non-Finnish European, 0.00017%; no homozygotes.

Submission:

Labcorp Genetics (formerly Invitae), Labcorp
Classification: Uncertain significance for Jeune thoracic dystrophy. Last evaluated: 2022-07-06. Review status: criteria provided, single submitter. Criteria: Invitae Variant Classification Sherloc (09022015). Collection method: clinical testing. Allele origin: germline.
Comment: This variant is not present in population databases (gnomAD no frequency). In summary, the available evidence is currently insufficient to determine the role of this variant in disease. Therefore, it has been classified as a Variant of Uncertain Significance. Advanced modeling of protein sequence and biophysical properties (such as structural, functional, and spatial information, amino acid conservation, physicochemical variation, residue mobility, and thermodynamic stability) performed at Invitae indicates that this missense variant is not expected to disrupt DYNC2H1 protein function. ClinVar contains an entry for this variant (Variation ID: 1445167). This variant has not been reported in the literature in individuals affected with DYNC2H1-related conditions. This sequence change replaces proline, which is neutral and non-polar, with serine, which is neutral and polar, at codon 2226 of the DYNC2H1 protein (p.Pro2226Ser).